The following is an entry in ClinVar:

ClinVar aggregate classification (germline): Uncertain significance (1 of 4 stars; one submission).

Conditions:
Cardiovascular phenotype. Identifiers: MedGen CN230736.

gnomAD v4.1: 1 of 1,546,224 alleles (0.000065%); highest among the groups gnomAD compares: Non-Finnish European, 0.000089%; no homozygotes.

Submission:

Ambry Genetics
Classification: Uncertain significance for Cardiovascular phenotype. Last evaluated: 2024-04-06. Review status: criteria provided, single submitter. Criteria: Ambry Variant Classification Scheme 2023. Collection method: clinical testing. Allele origin: germline.
Comment: The p.D182Y variant (also known as c.544G>T), located in coding exon 5 of the SOS1 gene, results from a G to T substitution at nucleotide position 544. The aspartic acid at codon 182 is replaced by tyrosine, an amino acid with highly dissimilar properties. This amino acid position is conserved. In addition, the in silico prediction for this alteration is inconclusive. Based on the available evidence, the clinical significance of this variant remains unclear.

NM_005633.4(SOS1):c.544G>T (p.Asp182Tyr)

Gene: SOS1 (SOS Ras/Rac guanine nucleotide exchange factor 1; minus strand). Cytogenetic location: 2p22.1.
Variant type: single nucleotide variant.
Coding change: c.544G>T on transcript NM_005633.4 (MANE Select); coding-DNA position 544, G replaced by T.
Protein change: p.Asp182Tyr; replaces aspartic acid 182 with tyrosine.
Molecular consequence: missense variant.
Genome position (GRCh38, 1-based): chr2:39,054,790, C>A on the plus strand (G>T on the coding strand, the complement: SOS1 is on the minus strand). VCF-style: chr2-39054790-C-A. GRCh37 (hg19) VCF-style: chr2-39281931-C-A.
Other names: c.523G>T, p.Asp175Tyr (NM_001382394.1); c.544G>T, p.Asp182Tyr (NM_001382395.1); short protein forms D175Y, D182Y.
Identifiers: ClinVar variation 3321539 (VCV003321539.1).